The following is an entry in ClinVar:

ClinVar aggregate classification (germline): Pathogenic (1 of 4 stars; one submission).

Conditions:
Neurofibromatosis, type 1 (NF1). Also called: NEUROFIBROMATOSIS, TYPE I, SOMATIC; Peripheral type neurofibromatosis; VON RECKLINGHAUSEN DISEASE; Neurofibromatosis, type I. Identifiers: Orphanet 636, MedGen C0027831, MONDO:0018975, OMIM 162200. Disease mechanism: loss of function.

Submission:

Labcorp Genetics (formerly Invitae), Labcorp
Classification: Pathogenic for Neurofibromatosis, type 1. Last evaluated: 2024-02-15. Review status: criteria provided, single submitter. Criteria: Invitae Variant Classification Sherloc (09022015). Collection method: clinical testing. Allele origin: germline.
Comment: This sequence change creates a premature translational stop signal (p.Phe2339Ilefs*26) in the NF1 gene. It is expected to result in an absent or disrupted protein product. Loss-of-function variants in NF1 are known to be pathogenic (PMID: 10712197, 23913538). This variant is not present in population databases (gnomAD no frequency). This variant has not been reported in the literature in individuals affected with NF1-related conditions. For these reasons, this variant has been classified as Pathogenic.

Literature cited by the submitters: PubMed 10712197; PubMed 23913538.

NM_001042492.3(NF1):c.7076dup (p.Phe2360fs)

Gene: NF1 (neurofibromin 1; plus strand). Cytogenetic location: 17q11.2.
Variant type: Duplication.
Coding change: c.7076dup on transcript NM_001042492.3 (MANE Select); coding-DNA position 7076, one base duplicated (T; older notation c.7076dupT).
Protein change: p.Phe2360fs; shifts the reading frame from phenylalanine 2360.
Molecular consequence: frameshift variant.
Genome position (GRCh38, 1-based): chr17:31,343,022, T duplicated. VCF-style (leftmost placement, unchanged base first): chr17-31343021-G-GT. GRCh37 (hg19) VCF-style: chr17-29670039-G-GT.
Other names: c.7013dup, p.Phe2339Ilefs (NM_000267.4); short protein forms F2360fs, F2339fs.
Identifiers: ClinVar variation 2805659 (VCV002805659.3), dbSNP rs2508779466, ClinGen allele CA2739265556.